The following is an entry in ClinVar:

ClinVar aggregate classification (germline): Uncertain significance (1 of 4 stars; one submission).

Conditions:
Cutis laxa, autosomal dominant 3 (ADCL3). Identifiers: Orphanet 90348, MedGen C4225268, MONDO:0014706, OMIM 616603.
Autosomal dominant spastic paraplegia type 9. Identifiers: MedGen C1832669, MONDO:0015091.
de Barsy syndrome. Also called: Cutis laxa-corneal clouding-oligophrenia syndrome. Identifiers: Orphanet 2962, MedGen C0268354, MONDO:0017569.

Allele frequency attached by ClinVar (database versions not stated): gnomAD exomes below 0.00001.

Submission:

Labcorp Genetics (formerly Invitae), Labcorp
Classification: Uncertain significance for Autosomal dominant spastic paraplegia type 9; de Barsy syndrome; Cutis laxa, autosomal dominant 3. Last evaluated: 2023-07-15. Review status: criteria provided, single submitter. Criteria: Invitae Variant Classification Sherloc (09022015). Collection method: clinical testing. Allele origin: germline.
Comment: In summary, the available evidence is currently insufficient to determine the role of this variant in disease. Therefore, it has been classified as a Variant of Uncertain Significance. Advanced modeling of protein sequence and biophysical properties (such as structural, functional, and spatial information, amino acid conservation, physicochemical variation, residue mobility, and thermodynamic stability) has been performed at Invitae for this missense variant, however the output from this modeling did not meet the statistical confidence thresholds required to predict the impact of this variant on ALDH18A1 protein function. This sequence change replaces glycine, which is neutral and non-polar, with serine, which is neutral and polar, at codon 498 of the ALDH18A1 protein (p.Gly498Ser). This variant has not been reported in the literature in individuals affected with ALDH18A1-related conditions. This variant is not present in population databases (gnomAD no frequency).

NM_002860.4(ALDH18A1):c.1492G>A (p.Gly498Ser)

Gene: ALDH18A1 (aldehyde dehydrogenase 18 family member A1; minus strand). Cytogenetic location: 10q24.1.
Variant type: single nucleotide variant.
Coding change: c.1492G>A on transcript NM_002860.4 (MANE Select); coding-DNA position 1492, G replaced by A.
Protein change: p.Gly498Ser; replaces glycine 498 with serine.
Molecular consequence: missense variant.
Genome position (GRCh38, 1-based): chr10:95,616,590, C>T on the plus strand (G>A on the coding strand, the complement: ALDH18A1 is on the minus strand). VCF-style: chr10-95616590-C-T. GRCh37 (hg19) VCF-style: chr10-97376347-C-T.
Other names: c.1486G>A, p.Gly496Ser (NM_001017423.2, NM_001323415.2); c.1159G>A, p.Gly387Ser (NM_001323412.2, NM_001323416.2); c.1492G>A, p.Gly498Ser (NM_001323413.2, NM_001323414.2); c.1387G>A, p.Gly463Ser (NM_001323417.2); c.1153G>A, p.Gly385Ser (NM_001323418.2); c.856G>A, p.Gly286Ser (NM_001323419.2); short protein forms G385S, G286S, G463S, G498S, G387S, G496S.
Identifiers: ClinVar variation 2940064 (VCV002940064.3), dbSNP rs2526750019, ClinGen allele CA377701166.